The following is an entry in ClinVar:

ClinVar aggregate classification (germline): Likely pathogenic (1 of 4 stars; one submission).

Conditions:
ANKS6-related disorder. Also called: ANKS6-related condition.

Submission:

PreventionGenetics, part of Exact Sciences
Classification: Likely pathogenic for ANKS6-related condition. Last evaluated: 2026-05-21. Review status: criteria provided, single submitter. Criteria: ACMG Guidelines, 2015. Collection method: clinical testing. Allele origin: germline.
Comment: The ANKS6 c.1113-2A>G variant is predicted to disrupt the AG splice acceptor site and interfere with normal splicing. To our knowledge, this variant has not been reported in the literature or in a large population database (gnomAD), indicating this variant is rare. Variants that disrupt the consensus splice acceptor site in ANKS6 are expected to be pathogenic. This variant is interpreted as likely pathogenic.

NM_173551.5(ANKS6):c.1113-2A>G

Gene: ANKS6 (ankyrin repeat and sterile alpha motif domain containing 6; minus strand). Cytogenetic location: 9q22.33.
Variant type: single nucleotide variant.
Coding change: c.1113-2A>G on transcript NM_173551.5 (MANE Select); the canonical splice acceptor site of the intron before coding-DNA position 1113, A replaced by G.
Molecular consequence: splice acceptor variant.
Genome position (GRCh38, 1-based): chr9:98,782,575, T>C on the plus strand (A>G on the coding strand, the complement: ANKS6 is on the minus strand). VCF-style: chr9-98782575-T-C. GRCh37 (hg19) VCF-style: chr9-101544857-T-C.
Identifiers: ClinVar variation 4994243 (VCV004994243.1).